The following is an entry in ClinVar:

NM_003243.5(TGFBR3):c.464A>G (p.His155Arg)

Gene: TGFBR3 (transforming growth factor beta receptor 3; minus strand). Cytogenetic location: 1p22.1.
Variant type: single nucleotide variant.
Coding change: c.464A>G on transcript NM_003243.5 (MANE Select); coding-DNA position 464, A replaced by G.
Protein change: p.His155Arg; replaces histidine 155 with arginine.
Molecular consequence: missense variant. On other transcripts: non-coding transcript variant (1).
Genome position (GRCh38, 1-based): chr1:91,734,880, T>C on the plus strand (A>G on the coding strand, the complement: TGFBR3 is on the minus strand). VCF-style: chr1-91734880-T-C. GRCh37 (hg19) VCF-style: chr1-92200437-T-C.
Other names: c.464A>G, p.His155Arg (NM_001195683.2, NM_001195684.1); short protein forms H155R.
Identifiers: ClinVar variation 712919 (VCV000712919.29), dbSNP rs41286789, ClinGen allele CA948045.

ClinVar aggregate classification (germline): Likely benign. Review status: criteria provided, multiple submitters, no conflicts (2 of 4 stars). 3 submissions from 3 submitters: Likely benign (2). 1 of the submissions does not count toward it. Last evaluated 2023-08-01.

Conditions:
TGFBR3-related disorder. Also called: TGFBR3-related condition.

Allele frequency attached by ClinVar (database versions not stated): 1000 Genomes Project 0.00160; 1000 Genomes Project 30x 0.00172; gnomAD exomes 0.00344 and 0.00492; TOPMed 0.00345; ExAC 0.00362; ESP Exome Variant Server 0.00369; gnomAD 0.00373 and 0.00389.
gnomAD v4.1: 7,675 of 1,614,198 alleles (0.48%); highest among the groups gnomAD compares: Non-Finnish European, 0.59%; 16 homozygotes.

Submissions (3):

CeGaT Center for Human Genetics Tuebingen
Classification: Likely benign. Last evaluated: 2023-08-01. Review status: criteria provided, single submitter. Criteria: CeGaT Center For Human Genetics Tuebingen Variant Classification Criteria Version 2. Collection method: clinical testing. Allele origin: germline. Affected: yes. Observed: 1 variant allele.
Comment: TGFBR3: BP4, BS2

Labcorp Genetics (formerly Invitae), Labcorp
Classification: Likely benign. Last evaluated: 2019-12-31. Review status: criteria provided, single submitter. Criteria: Invitae Variant Classification Sherloc (09022015). Collection method: clinical testing. Allele origin: germline.

PreventionGenetics, part of Exact Sciences
Classification: Likely benign for TGFBR3-related condition. Last evaluated: 2019-06-04. Review status: no assertion criteria provided. Collection method: clinical testing. Allele origin: germline. Not counted in ClinVar's aggregate classification.
Comment: This variant is classified as likely benign based on ACMG/AMP sequence variant interpretation guidelines (Richards et al. 2015 PMID: 25741868, with internal and published modifications).